The following is an entry in ClinVar:

ClinVar aggregate classification (germline): Likely pathogenic (1 of 4 stars; one submission).

Conditions:
Niemann-Pick disease, type B. Also called: Chronic Visceral ASMD (Niemann-Pick Disease Type B; NPD-B). Identifiers: Orphanet 77293, MedGen C0268243, MONDO:0011871, OMIM 607616. Disease mechanism: loss of function.
Niemann-Pick disease, type A. Also called: Infantile Neurovisceral ASMD (Niemann-Pick Disease Type A; NPD-A); SPHINGOMYELIN LIPIDOSIS; SPHINGOMYELINASE DEFICIENCY. Identifiers: Orphanet 77292, MedGen C0268242, MONDO:0009756, OMIM 257200. Disease mechanism: loss of function.

Allele frequency attached by ClinVar (database versions not stated): gnomAD exomes below 0.00001.
gnomAD v4.1: 4 of 1,614,220 alleles (0.00025%); highest among the groups gnomAD compares: South Asian, 0.0033%; no homozygotes.

Submission:

Labcorp Genetics (formerly Invitae), Labcorp
Classification: Likely pathogenic for Niemann-Pick disease, type B; Niemann-Pick disease, type A. Last evaluated: 2022-01-16. Review status: criteria provided, single submitter. Criteria: Invitae Variant Classification Sherloc (09022015). Collection method: clinical testing. Allele origin: germline.
Comment: In summary, the currently available evidence indicates that the variant is pathogenic, but additional data are needed to prove that conclusively. Therefore, this variant has been classified as Likely Pathogenic. This variant disrupts the p.Ser486 amino acid residue in SMPD1. Other variant(s) that disrupt this residue have been determined to be pathogenic (PMID: 23356216). This suggests that this residue is clinically significant, and that variants that disrupt this residue are likely to be disease-causing. Advanced modeling of protein sequence and biophysical properties (such as structural, functional, and spatial information, amino acid conservation, physicochemical variation, residue mobility, and thermodynamic stability) performed at Invitae indicates that this missense variant is expected to disrupt SMPD1 protein function. This variant has not been reported in the literature in individuals affected with SMPD1-related conditions. This variant is not present in population databases (gnomAD no frequency). This sequence change replaces serine, which is neutral and polar, with asparagine, which is neutral and polar, at codon 486 of the SMPD1 protein (p.Ser486Asn).

Literature cited by the submitters: PubMed 23356216.

NM_000543.5(SMPD1):c.1457G>A (p.Ser486Asn)

Gene: SMPD1 (sphingomyelin phosphodiesterase 1; plus strand). Cytogenetic location: 11p15.4.
Variant type: single nucleotide variant.
Coding change: c.1457G>A on transcript NM_000543.5 (MANE Select); coding-DNA position 1457, G replaced by A.
Protein change: p.Ser486Asn; replaces serine 486 with asparagine.
Molecular consequence: missense variant. On other transcripts: non-coding transcript variant (2).
Genome position (GRCh38, 1-based): chr11:6,394,012, G>A. VCF-style: chr11-6394012-G-A. GRCh37 (hg19) VCF-style: chr11-6415242-G-A.
Other names: c.1454G>A, p.Ser485Asn (NM_001007593.3); c.1457G>A, p.Ser486Asn (NM_001318087.2); c.536G>A, p.Ser179Asn (NM_001318088.2); c.1325G>A, p.Ser442Asn (NM_001365135.2); short protein forms S485N, S486N, S179N, S442N.
Identifiers: ClinVar variation 1512256 (VCV001512256.8), dbSNP rs2134021618, ClinGen allele CA379375463.
Genomic context (GRCh38, chr11:6,394,012, plus strand): 5'-AGGTCTTCTATGATGAAGAGACTCTGAGCCGGCCGCTGGCTGTAGCCTTCCTGGCACCCA[G>A]TGCAACTACCTACATCGGCCTTAATCCTGGTGAGTGAGGCAGAAGGGAGCCTCCCTTATC-3'
Protein context (NP_000534.3, residues 476-496): RPLAVAFLAP[Ser486Asn]ATTYIGLNPG